The following is an entry in ClinVar:

NM_016239.4(MYO15A):c.5925G>A (p.Trp1975Ter)

Gene: MYO15A (myosin XVA; plus strand). Cytogenetic location: 17p11.2.
Variant type: single nucleotide variant.
Coding change: c.5925G>A on transcript NM_016239.4 (MANE Select); coding-DNA position 5925, G replaced by A.
Protein change: p.Trp1975Ter; replaces tryptophan 1975 with a stop codon.
Molecular consequence: nonsense.
Genome position (GRCh38, 1-based): chr17:18,143,580, G>A. VCF-style: chr17-18143580-G-A. GRCh37 (hg19) VCF-style: chr17-18046894-G-A.
Other names: rs375290498; NM_016239.4(MYO15A):c.5925G>A; p.Trp1975Ter; short protein forms W1975*.
Identifiers: ClinVar variation 203364 (VCV000203364.52), dbSNP rs375290498, ClinGen allele CA275492.

ClinVar aggregate classification (germline): Likely benign. Review status: reviewed by expert panel (3 of 4 stars). 15 submissions from 15 submitters: Likely benign (1). 14 of the submissions do not count toward it. Last evaluated 2026-01-27.

Conditions:
MYO15A-related disorder. Also called: MYO15A-related condition.
Rare genetic deafness. Identifiers: Orphanet 96210, MedGen C5680250.
Nonsyndromic genetic hearing loss. Also called: Non-syndromic genetic deafness; Nonsyndromic hearing loss and deafness; Nonsyndromic genetic deafness. Identifiers: Orphanet 87884, MedGen C5680182, MONDO:0019497.
Autosomal recessive nonsyndromic hearing loss 3. Also called: NEUROSENSORY NONSYNDROMIC RECESSIVE DEAFNESS 3. Identifiers: Orphanet 90636, MedGen C1838263, MONDO:0010860, OMIM 600316.

Allele frequency attached by ClinVar (database versions not stated): gnomAD 0.00005 and 0.00052; TOPMed 0.00010; gnomAD exomes 0.00089 and 0.00197; 1000 Genomes Project 30x 0.00375; 1000 Genomes Project 0.00479.
gnomAD v4.1: 1,342 of 1,560,974 alleles (0.086%); highest among the groups gnomAD compares: South Asian, 1.4%; 18 homozygotes.

Submissions (15):

ClinGen Hearing Loss Variant Curation Expert Panel
Classification: Likely benign for Nonsyndromic genetic hearing loss. Last evaluated: 2026-01-27. Review status: reviewed by expert panel. Criteria: clingen hl acmg specifications otof myo15a v1. Collection method: curation. Allele origin: germline. Inheritance: Autosomal recessive inheritance.
Comment: The c.5925G>A variant in MYO15A is a nonsense variant predicted to cause a premature stop codon in exon 26. RNA sequencing and expression data has shown that exon 26 is not expressed across all tissues, including the inner ear, which suggests that variants in this exon are not clinically relevant (PMID: 30096381, 10552926). The highest population minor allele frequency in gnomAD v4.1 is 1.4% (1189/84838 alleles) in the South Asian population, which is higher than the ClinGen HL VCEP threshold (>0.003) for BS1, and therefore meets this criterion (BS1). In addition, this variant is observed in the homozygous state in 18 individuals in gnomAD v4.1 (BS2 met). This variant has also been observed in the homozygous state in individuals affected with congenital hearing loss including seven individuals from one large consanguineous family, one individual who had a second homozygous variant c.3311dupG (p.Glu1105Terfs) in MYO15A, and one individual who had an alternate explanation for disease (PMID: 22736430, 22903915, 26969326, 29907799) (BP5 met). However, given its high allele frequency and homozygous observations in the population, PM3 was not applied. In summary, this variant has been classified as likely benign based on the ACMG/AMP criteria applied, as specified by the ClinGen Hearing Loss VCEP: BS1_Supporting, BS2, BP5 (ClinGen Hearing Loss VCEP specifications version 2; 1/27/2026).

PreventionGenetics, part of Exact Sciences
Classification: Likely benign for MYO15A-related condition. Last evaluated: 2026-06-30. Review status: criteria provided, single submitter. Criteria: ACMG Guidelines, 2015. Collection method: clinical testing. Allele origin: germline. Not counted in ClinVar's aggregate classification.
Comment: This variant is classified as likely benign based on ACMG/AMP sequence variant interpretation guidelines (Richards et al. 2015 PMID: 25741868, with internal and published modifications).

Labcorp Genetics (formerly Invitae), Labcorp
Classification: Benign. Last evaluated: 2026-01-24. Review status: criteria provided, single submitter. Criteria: Invitae Variant Classification Sherloc (09022015). Collection method: clinical testing. Allele origin: germline. Not counted in ClinVar's aggregate classification.

Genomic Research Center, Shahid Beheshti University of Medical Sciences
Classification: Benign. Last evaluated: 2025-12-26. Review status: criteria provided, single submitter. Criteria: ACMG Guidelines, 2015. Collection method: clinical testing. Allele origin: unknown. Affected: no. Not counted in ClinVar's aggregate classification.
Comment: This variant is not rare in pupulation databases. It was detected in homozygous state in Iranome, gnomAD, India DB, and ExAC.

Women's Health and Genetics/Laboratory Corporation of America, LabCorp
Classification: Likely benign. Last evaluated: 2025-06-17. Review status: criteria provided, single submitter. Criteria: LabCorp Variant Classification Summary - May 2015. Collection method: clinical testing. Allele origin: germline. Not counted in ClinVar's aggregate classification.
Comment: Variant summary: MYO15A c.5925G>A (p.Trp1975X) results in a premature termination codon, predicted to cause a truncation of the encoded protein or absence of the protein due to nonsense mediated decay, which are commonly known mechanisms for disease. The variant allele was found at a frequency of 0.00086 in 1560974 control chromosomes, predominantly at a frequency of 0.014 within the South Asian subpopulation in the gnomAD database, including 18 homozygotes. The observed variant frequency within South Asian control individuals in the gnomAD database exceeds the estimated maximal expected allele frequency for a pathogenic variant in MYO15A causing Autosomal Recessive Nonsyndromic Hearing Loss 3 phenotype. c.5925G>A has been observed in the homozygous state in individuals affected with Autosomal Recessive Nonsyndromic Hearing Loss including six homozygous affected individuals from a large consanguineous family where complete segregation could not be confirmed, one homozygous affected individual who was also homozygous for a known pathogenic variant in MYO15A, and in one homozygous affected individual who was also homozygous for a pathenic variant in a different hearing loss associated gene (Fattahi_2012, Sloan-Heggen_2016, Sloan-Heggen_2015) . These reports do not provide unequivocal conclusions about association of the variant with Autosomal Recessive Nonsyndromic Hearing Loss 3. Co-occurrence with another pathogenic variant has been reported (MYO15A c.3311dup, p.Gly1104_Glu1105insTer), providing supporting evidence for a benign role. RNA studies and mouse expression studies suggest that exon 26 is alternatively spliced and in some transcripts is skipped, suggesting it is not clinically relevant (PMID: 30096381, 10552926). The following publications have been ascertained in the context of this evaluation (PMID: 22736430, 26969326, 26445815). ClinVar contains an entry for this variant (Variation ID: 203364). Based on the evidence outlined above, the variant was classified as likely benign.

Blueprint Genetics
Classification: Likely benign. Last evaluated: 2024-11-26. Review status: criteria provided, single submitter. Criteria: ACMG Guidelines, 2015. Collection method: clinical testing. Allele origin: germline. Not counted in ClinVar's aggregate classification.

CeGaT Center for Human Genetics Tuebingen
Classification: Likely benign. Last evaluated: 2024-02-01. Review status: criteria provided, single submitter. Criteria: CeGaT Center For Human Genetics Tuebingen Variant Classification Criteria Version 2. Collection method: clinical testing. Allele origin: germline. Affected: yes. Observed: 1 variant allele. Not counted in ClinVar's aggregate classification.
Comment: MYO15A: BS1

Revvity Omics, Revvity
Classification: Likely benign for Autosomal recessive nonsyndromic hearing loss 3. Last evaluated: 2023-11-21. Review status: criteria provided, single submitter. Criteria: ACMG Guidelines, 2015. Collection method: clinical testing. Allele origin: germline. Not counted in ClinVar's aggregate classification.

Department of Pathology and Laboratory Medicine, Sinai Health System
Classification: Uncertain significance for Autosomal recessive nonsyndromic hearing loss 3. Last evaluated: 2022-08-09. Review status: criteria provided, single submitter. Criteria: ACMG Guidelines, 2015. Collection method: research. Allele origin: germline. Not counted in ClinVar's aggregate classification.

Laboratory for Molecular Medicine, Mass General Brigham Personalized Medicine
Classification: Uncertain significance for Rare genetic deafness. Last evaluated: 2022-06-30. Review status: criteria provided, single submitter. Criteria: ACMG Guidelines, 2015. Collection method: clinical testing. Allele origin: germline. Inheritance: Autosomal unknown. Not counted in ClinVar's aggregate classification.
Comment: However, this variant has also been identified in 1.7% (138/8086) of South Asian chromosomes including 2 individuals who were homozygous by the Exome Aggregation Consortium (ExAC; dbSNP rs375290498). In addition, this nonsense variant introduces a premature codon at position 1975 in exon 26 of the MYO15A; exon 26 is missing in some alternatively spliced transcripts of MYO15A identified in the inner ear (Liang 1999), raising the possibility that this exon may not be functionally relevant. Although the segregation data reported in the Iranian family above (Fattahi 2012) suggests pathogenicity for this variant, it is not uncommon to detect homozygous variants in families with consanguinity and/or in isolated ethnic groups as is the case with this family, and it is possible that another variant on the same chromosome as this variant is causative for disease in the family. In summary, due to conflicting data, the clinical significance of the p.Trp1975X variant is uncertain.. ACMG/AMP Criteria applied: BA1.

Athena Diagnostics
Classification: Uncertain significance. Last evaluated: 2021-03-04. Review status: criteria provided, single submitter. Criteria: Athena Diagnostics criteria. Collection method: clinical testing. Allele origin: unknown. Not counted in ClinVar's aggregate classification.

GeneDx
Classification: Benign. Last evaluated: 2020-12-23. Review status: criteria provided, single submitter. Criteria: GeneDx Variant Classification Process June 2021. Collection method: clinical testing. Allele origin: germline. Affected: yes. Not counted in ClinVar's aggregate classification.
Comment: Nonsense variant predicted to result in protein truncation or nonsense mediated decay in a gene for which loss-of-function is a known mechanism of disease; This variant is associated with the following publications: (PMID: 29907799, 22736430, 10552926, 27375115, 26969326, 30096381, 31130284)

Division of Human Genetics, Children's Hospital of Philadelphia
Classification: Pathogenic for Deafness, autosomal recessive 3. Last evaluated: 2014-06-23. Review status: no assertion criteria provided. Collection method: research. Allele origin: maternal. Affected: yes. Study: CSER-PediSeq. Not counted in ClinVar's aggregate classification.
Comment: The variant (c. 5925G>A;p.W1975*) is a nonsense variant, which is predicted to result in a truncated protein and considered pathogenic.

Clinical Genetics DNA and cytogenetics Diagnostics Lab, Erasmus MC, Erasmus Medical Center
Classification: Pathogenic. Review status: no assertion criteria provided. Collection method: clinical testing. Allele origin: germline. Affected: yes. Study: VKGL Data-share Consensus. Not counted in ClinVar's aggregate classification.

Joint Genome Diagnostic Labs from Nijmegen and Maastricht, Radboudumc and MUMC+
Classification: Pathogenic. Review status: no assertion criteria provided. Collection method: clinical testing. Allele origin: germline. Affected: yes. Study: VKGL Data-share Consensus. Not counted in ClinVar's aggregate classification.

Literature cited by the submitters: PubMed 26969326 (cited by Women's Health and Genetics/Laboratory Corporation of America, LabCorp and Athena Diagnostics); PubMed 26445815 (cited by Women's Health and Genetics/Laboratory Corporation of America, LabCorp); PubMed 22736430 (cited by 4 submitters); PubMed 10552926 (cited by Laboratory for Molecular Medicine, Mass General Brigham Personalized Medicine and Athena Diagnostics); PubMed 30096381 (cited by Athena Diagnostics); PubMed 31130284 (cited by Athena Diagnostics); PubMed 29907799 (cited by Athena Diagnostics); PubMed 22903915 (cited by Athena Diagnostics); PubMed 31053783 (cited by Athena Diagnostics).